The following is an entry in ClinVar:

ClinVar aggregate classification (germline): Benign. Review status: criteria provided, multiple submitters, no conflicts (2 of 4 stars). 2 submissions from 2 submitters: Benign (2). Last evaluated 2020-11-02.

Allele frequency attached by ClinVar (database versions not stated): 1000 Genomes Project 0.43950; 1000 Genomes Project 30x 0.44238; TOPMed 0.45170.
gnomAD v4.1: 463,804 of 1,133,830 alleles (41%); highest among the groups gnomAD compares: African/African-American, 56%; 95,968 homozygotes.

Submissions (2):

GeneDx
Classification: Benign. Last evaluated: 2020-11-02. Review status: criteria provided, single submitter. Criteria: GeneDx Variant Classification Process June 2021. Collection method: clinical testing. Allele origin: germline. Affected: yes.
Comment: This variant is associated with the following publications: (PMID: 25691096)

Breakthrough Genomics
Classification: Benign. Review status: criteria provided, single submitter. Criteria: ACMG Guidelines, 2015. Collection method: not provided. Allele origin: germline. Inheritance: Unknown mechanism. Affected: yes.

NM_003761.5(VAMP8):c.*143T>C

Gene: VAMP8 (vesicle associated membrane protein 8; plus strand). Cytogenetic location: 2p11.2.
Variant type: single nucleotide variant.
Coding change: c.*143T>C on transcript NM_003761.5 (MANE Select); 143 bases downstream of the stop codon, T replaced by C.
Molecular consequence: 3 prime UTR variant.
Genome position (GRCh38, 1-based): chr2:85,581,859, T>C. VCF-style: chr2-85581859-T-C. GRCh37 (hg19) VCF-style: chr2-85808982-T-C.
Identifiers: ClinVar variation 1182311 (VCV001182311.3), dbSNP rs1010, ClinGen allele CA11156780.
Genomic context (GRCh38, chr2:85,581,859, plus strand): 5'-CTTCCTCTACAGAGAATGCTGCTCGGTCCTCCTACCCCTCTTCCCGAGGCCCTGCTGCCA[T>C]GTTGTATGCCCCAGAAGGTACCTTGGTCCCCCGGAAGGAGAGAAAAAAGAGAGATGGACT-3'